The following is an entry in ClinVar:

ClinVar aggregate classification (germline): Likely pathogenic (1 of 4 stars; one submission).

Conditions:
Maple syrup urine disease (MSUD). Identifiers: Orphanet 511, MedGen C0024776, MeSH D008375, MONDO:0009563. Disease mechanism: loss of function.

Submission:

Labcorp Genetics (formerly Invitae), Labcorp
Classification: Likely pathogenic for Maple syrup urine disease. Last evaluated: 2023-10-05. Review status: criteria provided, single submitter. Criteria: Invitae Variant Classification Sherloc (09022015). Collection method: clinical testing. Allele origin: germline.
Comment: This sequence change replaces isoleucine, which is neutral and non-polar, with threonine, which is neutral and polar, at codon 413 of the DBT protein (p.Ile413Thr). This variant is not present in population databases (gnomAD no frequency). This missense change has been observed in individual(s) with maple syrup urine disease (PMID: 31119508; Invitae). Advanced modeling of protein sequence and biophysical properties (such as structural, functional, and spatial information, amino acid conservation, physicochemical variation, residue mobility, and thermodynamic stability) performed at Invitae indicates that this missense variant is expected to disrupt DBT protein function. In summary, the currently available evidence indicates that the variant is pathogenic, but additional data are needed to prove that conclusively. Therefore, this variant has been classified as Likely Pathogenic.

Literature cited by the submitters: PubMed 31119508.

NM_001918.5(DBT):c.1238T>C (p.Ile413Thr)

Gene: DBT (dihydrolipoamide branched chain transacylase E2; minus strand). Cytogenetic location: 1p21.2.
Variant type: single nucleotide variant.
Coding change: c.1238T>C on transcript NM_001918.5 (MANE Select); coding-DNA position 1238, T replaced by C.
Protein change: p.Ile413Thr; replaces isoleucine 413 with threonine.
Molecular consequence: missense variant. On other transcripts: non-coding transcript variant (4).
Genome position (GRCh38, 1-based): chr1:100,206,273, A>G on the plus strand (T>C on the coding strand, the complement: DBT is on the minus strand). VCF-style: chr1-100206273-A-G. GRCh37 (hg19) VCF-style: chr1-100671829-A-G.
Other names: c.695T>C, p.Ile232Thr (NM_001399969.1, NM_001399972.1); short protein forms I232T, I413T.
Identifiers: ClinVar variation 2907289 (VCV002907289.3), dbSNP rs2524106384, ClinGen allele CA341330028.